The following is an entry in ClinVar:

ClinVar aggregate classification (germline): Benign/Likely benign. Review status: criteria provided, multiple submitters, no conflicts (2 of 4 stars). 2 submissions from 2 submitters: Benign (1); Likely benign (1). Last evaluated 2026-07-01.

Conditions:
Sessile serrated polyposis cancer syndrome (SSPCS). Identifiers: Orphanet 157798, MedGen C4310714, MONDO:0014919, OMIM 617108.

gnomAD v4.1: 2 of 1,551,028 alleles (0.00013%); highest among the groups gnomAD compares: Non-Finnish European, 0.00017%; no homozygotes.

Submissions (2):

Myriad Genetics, Inc.
Classification: Benign for Sessile serrated polyposis cancer syndrome. Last evaluated: 2026-07-01. Review status: criteria provided, single submitter. Criteria: Myriad Autosomal Dominant, Autosomal Recessive and X-Linked Classification Criteria (2023). Collection method: clinical testing. Allele origin: unknown.
Comment: This variant is considered benign. This variant is a silent/synonymous amino acid change and it is not expected to impact splicing.

Ambry Genetics
Classification: Likely benign. Last evaluated: 2025-01-13. Review status: criteria provided, single submitter. Criteria: Ambry Variant Classification Scheme 2023. Collection method: clinical testing. Allele origin: germline.

NM_017763.6(RNF43):c.990A>C (p.Arg330=)

Gene: RNF43 (ring finger protein 43; minus strand). Cytogenetic location: 17q22.
Variant type: single nucleotide variant.
Coding change: c.990A>C on transcript NM_017763.6 (MANE Select); coding-DNA position 990, A replaced by C.
Protein change: p.Arg330=; no amino-acid change (arginine 330 retained).
Molecular consequence: synonymous variant.
Genome position (GRCh38, 1-based): chr17:58,358,786, T>G on the plus strand (A>C on the coding strand, the complement: RNF43 is on the minus strand). VCF-style: chr17-58358786-T-G. GRCh37 (hg19) VCF-style: chr17-56436147-T-G.
Other names: c.990A>C, p.Arg330= (NM_001305544.3); c.609A>C, p.Arg203= (NM_001305545.2).
Identifiers: ClinVar variation 3789899 (VCV003789899.2).